The following is an entry in ClinVar:

NM_002778.4(PSAP):c.524T>C (p.Ile175Thr)

Gene: PSAP (prosaposin; minus strand). Cytogenetic location: 10q22.1.
Variant type: single nucleotide variant.
Coding change: c.524T>C on transcript NM_002778.4 (MANE Select); coding-DNA position 524, T replaced by C.
Protein change: p.Ile175Thr; replaces isoleucine 175 with threonine.
Molecular consequence: missense variant.
Genome position (GRCh38, 1-based): chr10:71,828,929, A>G on the plus strand (T>C on the coding strand, the complement: PSAP is on the minus strand). VCF-style: chr10-71828929-A-G. GRCh37 (hg19) VCF-style: chr10-73588686-A-G.
Other names: c.524T>C, p.Ile175Thr (NM_001042465.3, NM_001042466.3); short protein forms I175T.
Identifiers: ClinVar variation 2199382 (VCV002199382.1), dbSNP rs1036922785, ClinGen allele CA209466610.

ClinVar aggregate classification (germline): Uncertain significance (1 of 4 stars; one submission).

Conditions:
Sphingolipid activator protein 1 deficiency. Also called: METACHROMATIC LEUKODYSTROPHY DUE TO CEREBROSIDE SULFATASE ACTIVATOR DEFICIENCY; Saposin B Deficiency; Metachromatic leukodystrophy due to saposin B deficiency. Identifiers: Orphanet 512, MedGen C0268262, MONDO:0009590, OMIM 249900.

Allele frequency attached by ClinVar (database versions not stated): gnomAD exomes 0.00001; TOPMed 0.00001; gnomAD 0.00002.
gnomAD v4.1: 13 of 1,613,826 alleles (0.00081%); highest among the groups gnomAD compares: Non-Finnish European, 0.0011%; no homozygotes.

Submission:

Labcorp Genetics (formerly Invitae), Labcorp
Classification: Uncertain significance for Sphingolipid activator protein 1 deficiency. Last evaluated: 2022-03-20. Review status: criteria provided, single submitter. Criteria: Invitae Variant Classification Sherloc (09022015). Collection method: clinical testing. Allele origin: germline.
Comment: This sequence change replaces isoleucine, which is neutral and non-polar, with threonine, which is neutral and polar, at codon 175 of the PSAP protein (p.Ile175Thr). This variant is present in population databases (no rsID available, gnomAD 0.002%). This variant has not been reported in the literature in individuals affected with PSAP-related conditions. Algorithms developed to predict the effect of missense changes on protein structure and function are either unavailable or do not agree on the potential impact of this missense change (SIFT: "Not Available"; PolyPhen-2: "Benign"; Align-GVGD: "Not Available"). In summary, the available evidence is currently insufficient to determine the role of this variant in disease. Therefore, it has been classified as a Variant of Uncertain Significance.